The following is an entry in ClinVar:

NM_001371986.1(UNC80):c.1513C>T (p.Arg505Ter)

Gene: UNC80 (unc-80 subunit of NALCN channel complex; plus strand). Cytogenetic location: 2q34.
Variant type: single nucleotide variant.
Coding change: c.1513C>T on transcript NM_001371986.1 (MANE Select); coding-DNA position 1513, C replaced by T.
Protein change: p.Arg505Ter; replaces arginine 505 with a stop codon.
Molecular consequence: nonsense.
Genome position (GRCh38, 1-based): chr2:209,817,086, C>T. VCF-style: chr2-209817086-C-T. GRCh37 (hg19) VCF-style: chr2-210681810-C-T.
Other names: c.1513C>T, p.Arg505Ter (NM_032504.2, NM_182587.4); short protein forms R505*.
Identifiers: ClinVar variation 505011 (VCV000505011.45), dbSNP rs767633598, ClinGen allele CA2082940.
Genomic context (GRCh38, chr2:209,817,086, plus strand): 5'-GTGTCCCCCACGCGCAGCACATTCTCCTTTGGAAGTTTCTCTGGGCTGGGAGAAGACAGG[C>T]GAGGAATTGAGAAAGGAGGCTGGCAAACCACCATTTTAGGTGACCACAAGGCCTTCCAAA-3'

ClinVar aggregate classification (germline): Pathogenic/Likely pathogenic. Review status: criteria provided, multiple submitters, no conflicts (2 of 4 stars). 5 submissions from 5 submitters: Pathogenic (4); Likely pathogenic (1). Last evaluated 2025-08-18.

Conditions:
Hypotonia, infantile, with psychomotor retardation and characteristic facies. Also called: Hypotonia-speech impairment-severe cognitive delay syndrome. Identifiers: Orphanet 371364, MedGen C4706556, MONDO:0014176.
Hypotonia, infantile, with psychomotor retardation and characteristic facies 2 (IHPRF2). Also called: UNC80 Deficiency. Identifiers: Orphanet 371364, Orphanet 700333, MedGen C4225203, MONDO:0014777, OMIM 616801.

Allele frequency attached by ClinVar (database versions not stated): gnomAD 0.00002; TOPMed 0.00002; ExAC 0.00005.
gnomAD v4.1: 8 of 1,551,526 alleles (0.00052%); highest among the groups gnomAD compares: Non-Finnish European, 0.0007%; no homozygotes.

Submissions (5):

Labcorp Genetics (formerly Invitae), Labcorp
Classification: Pathogenic. Last evaluated: 2025-08-18. Review status: criteria provided, single submitter. Criteria: Invitae Variant Classification Sherloc (09022015). Collection method: clinical testing. Allele origin: germline.
Comment: This sequence change creates a premature translational stop signal (p.Arg505*) in the UNC80 gene. It is expected to result in an absent or disrupted protein product. Loss-of-function variants in UNC80 are known to be pathogenic (PMID: 26545877, 26708751, 26708753). The frequency data for this variant in the population databases is considered unreliable, as metrics indicate poor data quality at this position in the gnomAD database. This variant has not been reported in the literature in individuals affected with UNC80-related conditions. ClinVar contains an entry for this variant (Variation ID: 505011). Algorithms developed to predict the effect of sequence changes on RNA splicing suggest that this variant may disrupt the consensus splice site. For these reasons, this variant has been classified as Pathogenic.

Women's Health and Genetics/Laboratory Corporation of America, LabCorp
Classification: Pathogenic for Hypotonia, infantile, with psychomotor retardation and characteristic facies 2. Last evaluated: 2025-07-21. Review status: criteria provided, single submitter. Criteria: LabCorp Variant Classification Summary - May 2015. Collection method: clinical testing. Allele origin: germline.
Comment: Variant summary: UNC80 c.1513C>T (p.Arg505X) results in a premature termination codon, predicted to cause absence of the protein due to nonsense mediated decay, which is a commonly known mechanism for disease. The variant allele was found at a frequency of 6.4e-06 in 157044 control chromosomes. c.1513C>T has been observed in unaffected indiviudals in newborn/carrier screenings (Capalbo_2019, Ceyhan-Birsoy_2019). These report(s) do not provide unequivocal conclusions about association of the variant with Infantile Hypotonia With Psychomotor Retardation And Characteristic Facies 2. To our knowledge, no experimental evidence demonstrating an impact on protein function has been reported. The following publications have been ascertained in the context of this evaluation (PMID: 31589614, 30609409). ClinVar contains an entry for this variant (Variation ID: 505011). Based on the evidence outlined above, the variant was classified as pathogenic.

3billion
Classification: Pathogenic for Hypotonia, infantile, with psychomotor retardation and characteristic facies 2. Last evaluated: 2023-02-23. Review status: criteria provided, single submitter. Criteria: ACMG Guidelines, 2015. Collection method: clinical testing. Allele origin: unknown. Affected: yes.
Comment: The variant is observed at an extremely low frequency in the gnomAD v2.1.1 dataset (total allele frequency: <0.001%). This variant was predicted to result in a loss or disruption of normal protein function through nonsense-mediated decay (NMD) or protein truncation. Multiple pathogenic variants are reported downstream of the variant. This homozygous variant has been reported at least twice as pathogenic with clinical assertions and evidence for the classification (ClinVar ID: VCV000505011). Therefore, this variant is classified as Pathogenic according to the recommendation of ACMG/AMP guideline.

CeGaT Center for Human Genetics Tuebingen
Classification: Pathogenic. Last evaluated: 2022-01-01. Review status: criteria provided, single submitter. Criteria: CeGaT Center For Human Genetics Tuebingen Variant Classification Criteria Version 2. Collection method: clinical testing. Allele origin: germline. Affected: yes. Observed: 1 variant allele.

Laboratory for Molecular Medicine, Mass General Brigham Personalized Medicine
Classification: Likely pathogenic for Hypotonia, infantile, with psychomotor retardation and characteristic facies. Last evaluated: 2016-05-15. Review status: criteria provided, single submitter. Criteria: LMM Criteria. Collection method: clinical testing. Allele origin: germline. Inheritance: Autosomal recessive inheritance. Observed: 1 variant allele.
Comment: The p.Arg505X variant in UNC80 has not been reported in the literature, and has been identified in 1/21528 chromosomes by the Exome Aggregation Consortium (ExAC). Although this variant has been seen in the ge neral population, its frequency is low enough to be consistent with a recessive carrier frequency. This nonsense variant leads to a premature termination codon at position 505, which is predicted to lead to a truncated or absent protein. Bi allelic loss of function of the UNC80 gene has been associated with Infantile hy potonia with psycho-motor retardation and characteristic facies-2 (Shamseldin 20 16, Stray-Pedersen 2016). In summary, although additional studies are required t o fully establish its clinical significance, the p.Arg505X variant is likely pat hogenic.

Literature cited by the submitters: PubMed 26545877 (cited by Labcorp Genetics (formerly Invitae), Labcorp); PubMed 26708751 (cited by Labcorp Genetics (formerly Invitae), Labcorp and Laboratory for Molecular Medicine, Mass General Brigham Personalized Medicine); PubMed 26708753 (cited by Labcorp Genetics (formerly Invitae), Labcorp and Laboratory for Molecular Medicine, Mass General Brigham Personalized Medicine); PubMed 30609409 (cited by Women's Health and Genetics/Laboratory Corporation of America, LabCorp); PubMed 31589614 (cited by Women's Health and Genetics/Laboratory Corporation of America, LabCorp).